The following is an entry in ClinVar:

NM_006073.4(TRDN):c.1408C>A (p.Leu470Met)

Gene: TRDN (triadin; minus strand). Cytogenetic location: 6q22.31.
Variant type: single nucleotide variant.
Coding change: c.1408C>A on transcript NM_006073.4 (MANE Select); coding-DNA position 1408, C replaced by A.
Protein change: p.Leu470Met; replaces leucine 470 with methionine.
Molecular consequence: missense variant.
Genome position (GRCh38, 1-based): chr6:123,337,631, G>T on the plus strand (C>A on the coding strand, the complement: TRDN is on the minus strand). VCF-style: chr6-123337631-G-T. GRCh37 (hg19) VCF-style: chr6-123658776-G-T.
Other names: short protein forms L470M.
Identifiers: ClinVar variation 227112 (VCV000227112.26), dbSNP rs6569336, ClinGen allele CA3983962.
Genomic context (GRCh38, chr6:123,337,631, plus strand): 5'-TATATTTCCTAATAAATTTGTAATATTATATTAAATTAACTCTGTTACCTTTATCTTTCA[G>T]AATTGAAGAAGTCTTCCCAGATTTTTCTTTTCTAATTTCTGCAAGAGAGATCATGGGAAG-3'
Protein context (NP_006064.2, residues 460-480): KEKSGKTSSI[Leu470Met]KDKEPIKGKE

ClinVar aggregate classification (germline): Benign/Likely benign. Review status: criteria provided, multiple submitters, no conflicts (2 of 4 stars). 9 submissions from 9 submitters: Benign (8); Likely benign (1). Last evaluated 2026-02-03.

Conditions:
Cardiovascular phenotype. Identifiers: MedGen CN230736.
Catecholaminergic polymorphic ventricular tachycardia 1. Also called: VENTRICULAR TACHYCARDIA, STRESS-INDUCED POLYMORPHIC 1; VENTRICULAR TACHYCARDIA, CATECHOLAMINERGIC POLYMORPHIC, 1, WITH OR WITHOUT ATRIAL DYSFUNCTION AND/OR DILATED CARDIOMYOPATHY; RYR2-Related Catecholaminergic Polymorphic Ventricular Tachycardia. Identifiers: Orphanet 3286, MedGen C1631597, MONDO:0011484, OMIM 604772.

Allele frequency attached by ClinVar (database versions not stated): ExAC 0.05787; ESP Exome Variant Server 0.07923; gnomAD 0.08601 and 0.09024; TOPMed 0.09537; 1000 Genomes Project 0.11362; gnomAD exomes 0.01001 and 0.02473.
gnomAD v4.1: 26,264 of 1,422,180 alleles (1.8%); highest among the groups gnomAD compares: African/African-American, 28%; 3,068 homozygotes.

Submissions (9):

Labcorp Genetics (formerly Invitae), Labcorp
Classification: Benign for Catecholaminergic polymorphic ventricular tachycardia 1. Last evaluated: 2026-02-03. Review status: criteria provided, single submitter. Criteria: Invitae Variant Classification Sherloc (09022015). Collection method: clinical testing. Allele origin: germline.

Molecular Diagnostic Laboratory for Inherited Cardiovascular Disease, Montreal Heart Institute
Classification: Benign. Last evaluated: 2025-04-09. Review status: criteria provided, single submitter. Criteria: ACMG Guidelines, 2015. Collection method: clinical testing. Allele origin: germline. Affected: no.

Women's Health and Genetics/Laboratory Corporation of America, LabCorp
Classification: Likely benign. Last evaluated: 2023-11-20. Review status: criteria provided, single submitter. Criteria: LabCorp Variant Classification Summary - May 2015. Collection method: clinical testing. Allele origin: germline.

Mayo Clinic Laboratories, Mayo Clinic
Classification: Benign. Last evaluated: 2022-12-31. Review status: criteria provided, single submitter. Criteria: ACMG Guidelines, 2015. Collection method: clinical testing. Allele origin: germline. Observed: 52 variant alleles.

GeneDx
Classification: Benign. Last evaluated: 2016-10-03. Review status: criteria provided, single submitter. Criteria: GeneDx Variant Classification (06012015). Collection method: clinical testing. Allele origin: germline. Affected: yes.
Comment: This variant is considered likely benign or benign based on one or more of the following criteria: it is a conservative change, it occurs at a poorly conserved position in the protein, it is predicted to be benign by multiple in silico algorithms, and/or has population frequency not consistent with disease.

Eurofins Ntd Llc (ga)
Classification: Benign. Last evaluated: 2016-02-08. Review status: criteria provided, single submitter. Criteria: EGL Classification Definitions 2015. Collection method: clinical testing. Allele origin: germline. Observed: 1 variant allele, 1 heterozygote.

Ambry Genetics
Classification: Benign for Cardiovascular phenotype. Last evaluated: 2015-07-15. Review status: criteria provided, single submitter. Criteria: Ambry Variant Classification Scheme 2023. Collection method: clinical testing. Allele origin: germline.

Laboratory for Molecular Medicine, Mass General Brigham Personalized Medicine
Classification: Benign. Last evaluated: 2014-11-24. Review status: criteria provided, single submitter. Criteria: LMM Criteria. Collection method: clinical testing. Allele origin: germline. Observed: 46 variant alleles.
Comment: Leu470Met in exon 22 of TRDN: This variant is not expected to have clinical sign ificance because it has been identified in 25.2% (572/2268) of African American chromosomes from a broad population by the NHLBI Exome Sequencing Project (dbSNP rs6569336).

PreventionGenetics, part of Exact Sciences
Classification: Benign. Review status: criteria provided, single submitter. Criteria: ACMG Guidelines, 2015. Collection method: clinical testing. Allele origin: germline.